The following is an entry in ClinVar:

ClinVar aggregate classification (germline): Likely benign. Review status: criteria provided, multiple submitters, no conflicts (2 of 4 stars). 2 submissions from 2 submitters: Likely benign (2). Last evaluated 2025-03-19.

gnomAD v4.1: 23 of 1,613,974 alleles (0.0014%); highest among the groups gnomAD compares: Non-Finnish European, 0.0018%; no homozygotes.

Submissions (2):

Labcorp Genetics (formerly Invitae), Labcorp
Classification: Likely benign. Last evaluated: 2025-03-19. Review status: criteria provided, single submitter. Criteria: Invitae Variant Classification Sherloc (09022015). Collection method: clinical testing. Allele origin: germline.

CeGaT Center for Human Genetics Tuebingen
Classification: Likely benign. Last evaluated: 2023-06-01. Review status: criteria provided, single submitter. Criteria: CeGaT Center For Human Genetics Tuebingen Variant Classification Criteria Version 2. Collection method: clinical testing. Allele origin: germline. Affected: yes. Observed: 1 variant allele.
Comment: ARHGEF10: BP4, BP7

NM_014629.4(ARHGEF10):c.1578C>G (p.Pro526=)

Gene: ARHGEF10 (Rho guanine nucleotide exchange factor 10; plus strand). Cytogenetic location: 8p23.3.
Variant type: single nucleotide variant.
Coding change: c.1578C>G on transcript NM_014629.4 (MANE Select); coding-DNA position 1578, C replaced by G.
Protein change: p.Pro526=; no amino-acid change (proline 526 retained).
Molecular consequence: synonymous variant.
Genome position (GRCh38, 1-based): chr8:1,898,453, C>G. VCF-style: chr8-1898453-C-G. GRCh37 (hg19) VCF-style: chr8-1846619-C-G.
Other names: c.1464C>G, p.Pro488= (NM_001308152.2); c.1578C>G, p.Pro526= (NM_001308153.3).
Identifiers: ClinVar variation 2658300 (VCV002658300.27), dbSNP rs746072431, ClinGen allele CA4600460.